The following is an entry in ClinVar:

NM_001369268.1(ACAN):c.6113C>T (p.Thr2038Ile)

Gene: ACAN (aggrecan; plus strand). Cytogenetic location: 15q26.1.
Variant type: single nucleotide variant.
Coding change: c.6113C>T on transcript NM_001369268.1 (MANE Select); coding-DNA position 6113, C replaced by T.
Protein change: p.Thr2038Ile; replaces threonine 2038 with isoleucine.
Molecular consequence: missense variant.
Genome position (GRCh38, 1-based): chr15:88,858,698, C>T. VCF-style: chr15-88858698-C-T. GRCh37 (hg19) VCF-style: chr15-89401929-C-T.
Other names: c.6113C>T, p.Thr2038Ile (NM_001135.4, NM_013227.4); short protein forms T2038I.
Identifiers: ClinVar variation 287741 (VCV000287741.10), dbSNP rs149083251, ClinGen allele CA7720341.

ClinVar aggregate classification (germline): Uncertain significance. Review status: criteria provided, multiple submitters, no conflicts (2 of 4 stars). 5 submissions from 5 submitters: Uncertain significance (3). 2 of the submissions do not count toward it. Last evaluated 2025-02-27.

Conditions:
Inborn genetic diseases. Identifiers: MedGen C0950123, MeSH D030342.
Spondyloepimetaphyseal dysplasia, aggrecan type. Also called: SEMD, AGGRECAN TYPE. Identifiers: Orphanet 171866, MedGen C2748544, MONDO:0013014, OMIM 612813.

Allele frequency attached by ClinVar (database versions not stated): gnomAD exomes 0.00001; gnomAD 0.00003 and 0.00002; TOPMed 0.00003; 1000 Genomes Project 0.00020; ExAC 0.00001; 1000 Genomes Project 30x 0.00016.
gnomAD v4.1: 26 of 1,613,970 alleles (0.0016%); highest among the groups gnomAD compares: African/African-American, 0.025%; no homozygotes.

Submissions (5):

Ambry Genetics
Classification: Uncertain significance for Inborn genetic diseases. Last evaluated: 2025-02-27. Review status: criteria provided, single submitter. Criteria: Ambry Variant Classification Scheme 2023. Collection method: clinical testing. Allele origin: germline.

Baylor Genetics
Classification: Uncertain significance for Spondyloepimetaphyseal dysplasia, aggrecan type. Last evaluated: 2019-12-10. Review status: criteria provided, single submitter. Criteria: ACMG Guidelines, 2015. Collection method: clinical testing. Allele origin: unknown. Affected: yes.
Comment: This variant was determined to be of uncertain significance according to ACMG Guidelines, 2015 [PMID:25741868].

Eurofins Ntd Llc (ga)
Classification: Uncertain significance. Last evaluated: 2016-05-10. Review status: criteria provided, single submitter. Criteria: EGL Classification Definitions 2015. Collection method: clinical testing. Allele origin: germline. Observed: 2 variant alleles, 2 heterozygotes.

Joint Genome Diagnostic Labs from Nijmegen and Maastricht, Radboudumc and MUMC+
Classification: Uncertain significance. Review status: no assertion criteria provided. Collection method: clinical testing. Allele origin: germline. Affected: yes. Study: VKGL Data-share Consensus. Not counted in ClinVar's aggregate classification.

Laboratory of Diagnostic Genome Analysis, Leiden University Medical Center (LUMC)
Classification: Uncertain significance. Review status: no assertion criteria provided. Collection method: clinical testing. Allele origin: germline. Affected: yes. Study: VKGL Data-share Consensus. Not counted in ClinVar's aggregate classification.